The following is an entry in ClinVar:

ClinVar aggregate classification (germline): Likely pathogenic (1 of 4 stars; one submission).

Conditions:
Solitary median maxillary central incisor syndrome. Also called: FUSED INCISORS; SINGLE CENTRAL MAXILLARY INCISOR; Solitary median maxillary central incisor; SMMCI SYNDROME; Single Central Incisor Syndrome. Identifiers: MedGen C1840235, MONDO:0007819, OMIM 147250, HP:0006315.

Submission:

Laboratory of Molecular Genetics, CHU Rennes
Classification: Likely pathogenic for Solitary median maxillary central incisor syndrome. Last evaluated: 2025-02-27. Review status: criteria provided, single submitter. Criteria: ACMG Guidelines, 2015. Collection method: clinical testing. Allele origin: maternal. Inheritance: Oligogenic inheritance. Affected: yes.
Comment: The NM_000193.4:c.526_534del is a deletion of nine base-pairs in the Hedgehog domain of SHH (PM1), absent from controls (PM2).

NM_000193.4(SHH):c.527_535del (p.Glu176_Lys178del)

Gene: SHH (sonic hedgehog signaling molecule; minus strand). Cytogenetic location: 7q36.3.
Variant type: Deletion.
Coding change: c.527_535del on transcript NM_000193.4 (MANE Select); coding-DNA positions 527 to 535, 9 bases deleted (AGTCCAAGG; older notation c.527_535delAGTCCAAGG).
Protein change: p.Glu176_Lys178del.
Molecular consequence: inframe deletion. On other transcripts: non-coding transcript variant (2).
Genome position (GRCh38, 1-based): chr7:155,806,323-155,806,331, CCTTGGACT deleted on the plus strand (AGTCCAAGG on the coding strand, the reverse complement: SHH is on the minus strand); deleting any 9 consecutive bases within chr7:155,806,323-155,806,332 gives the same sequence; the c. name uses the placement nearest the transcript's 3' end. VCF-style (leftmost placement, unchanged base first): chr7-155806322-GCCTTGGACT-G. GRCh37 (hg19) VCF-style: chr7-155599016-GCCTTGGACT-G.
Other names: c.266_274del, p.Glu89_Lys91del (NM_001310462.2); c.526_534del (NM_000193.4).
Identifiers: ClinVar variation 3775121 (VCV003775121.1).